The following is an entry in ClinVar:

ClinVar aggregate classification (germline): Benign. Review status: criteria provided, multiple submitters, no conflicts (2 of 4 stars). 3 submissions from 3 submitters: Benign (3). Last evaluated 2021-05-15.

Conditions:
Split hand-foot malformation 3. Also called: CHROMOSOME 10q24 DUPLICATION SYNDROME; SHSF3; Buttiens Fryns syndrome. Identifiers: Orphanet 1307, MedGen C1838652, MONDO:0009525, OMIM 246560.

Allele frequency attached by ClinVar (database versions not stated): ESP Exome Variant Server 0.00296; TOPMed 0.01379; ExAC 0.01767; gnomAD exomes 0.02439; 1000 Genomes Project 30x 0.02967; 1000 Genomes Project 0.03075.
gnomAD v4.1: 15,872 of 1,403,336 alleles (1.1%); highest among the groups gnomAD compares: East Asian, 6.3%; 243 homozygotes.

Submissions (3):

GeneDx
Classification: Benign. Last evaluated: 2021-05-15. Review status: criteria provided, single submitter. Criteria: GeneDx Variant Classification Process June 2021. Collection method: clinical testing. Allele origin: germline. Affected: yes.

Illumina Laboratory Services, Illumina
Classification: Benign for Split hand-foot malformation 3. Last evaluated: 2018-01-12. Review status: criteria provided, single submitter. Criteria: ICSL Variant Classification Criteria 13 December 2019. Collection method: clinical testing. Allele origin: germline.
Comment: This variant was observed in the ICSL laboratory as part of a predisposition screen in an ostensibly healthy population. It had not been previously curated by ICSL or reported in the Human Gene Mutation Database (HGMD: prior to June 1st, 2018), and was therefore a candidate for classification through an automated scoring system. Utilizing variant allele frequency, disease prevalence and penetrance estimates, and inheritance mode, an automated score was calculated to assess if this variant is too frequent to cause the disease. Based on the score and internal cut-off values, a variant classified as benign is not then subjected to further curation. The score for this variant resulted in a classification of benign for this disease.

Breakthrough Genomics
Classification: Benign. Review status: criteria provided, single submitter. Criteria: ACMG Guidelines, 2015. Collection method: not provided. Allele origin: germline. Inheritance: Unknown mechanism. Affected: yes.

NM_022039.4(FBXW4):c.440C>A (p.Ala147Asp)

Genes: FBXW4 (F-box and WD repeat domain containing 4; minus strand), LOC130004563 (ATAC-STARR-seq lymphoblastoid silent region 2723; plus strand). Cytogenetic location: 10q24.32.
Variant type: single nucleotide variant.
Coding change: c.440C>A on transcript NM_022039.4 (MANE Select); coding-DNA position 440, C replaced by A.
Protein change: p.Ala147Asp; replaces alanine 147 with aspartic acid.
Molecular consequence: missense variant. On other transcripts: non-coding transcript variant (1), intron variant (1).
Genome position (GRCh38, 1-based): chr10:101,694,666, G>T on the plus strand (C>A on the coding strand, the complement: FBXW4 is on the minus strand). VCF-style: chr10-101694666-G-T. GRCh37 (hg19) VCF-style: chr10-103454423-G-T.
Other names: c.-2+574C>A (NM_001323541.2); short protein forms A147D.
Identifiers: ClinVar variation 298542 (VCV000298542.7), dbSNP rs117664315, ClinGen allele CA5657502.
Genomic context (GRCh38, chr10:101,694,666, plus strand): 5'-TCCTCCTCCTCCTCCTCCCCGGCCGCCGCCGCCATGGCCACCCCTGTCCCCGCGATGTCG[G>T]CCCAAGCCTGACCCCCTCGTCCCTGTGCTCTTCCCGGCCTGGCGCCCTCCCGCCGCCTAG-3'
Protein context (NP_071322.2, residues 137-157): RAQGRGGQAW[Ala147Asp]DIAGTGVAMA